The following is an entry in ClinVar:

NM_014946.4(SPAST):c.1688-3C>G

Gene: SPAST (spastin; plus strand). Cytogenetic location: 2p22.3.
Variant type: single nucleotide variant.
Coding change: c.1688-3C>G on transcript NM_014946.4 (MANE Select); 3 bases into the intron before coding-DNA position 1688, C replaced by G.
Molecular consequence: intron variant.
Genome position (GRCh38, 1-based): chr2:32,147,215, C>G. VCF-style: chr2-32147215-C-G. GRCh37 (hg19) VCF-style: chr2-32372284-C-G.
Other names: c.1592-3C>G (NM_199436.2); c.1521-3C>G (NM_001377959.1); c.1685-3C>G (NM_001363823.2); c.1589-3C>G (NM_001363875.2).
Identifiers: ClinVar variation 2734158 (VCV002734158.5), dbSNP rs1679915565, ClinGen allele CA2586969005.

ClinVar aggregate classification (germline): Uncertain significance. Review status: criteria provided, multiple submitters, no conflicts (2 of 4 stars). 2 submissions from 2 submitters: Uncertain significance (2). Last evaluated 2025-04-14.

Conditions:
Hereditary spastic paraplegia 4. Also called: Spastic Paraplegia 4; Spastic paraplegia 4, autosomal dominant; Familial spastic paraplegia autosomal dominant 2. Identifiers: Orphanet 100985, MedGen C1866855, MONDO:0008438, OMIM 182601.

Submissions (2):

Dasa
Classification: Uncertain significance for Hereditary spastic paraplegia 4. Last evaluated: 2025-04-14. Review status: criteria provided, single submitter. Criteria: DASA Assertion Criteria. Collection method: clinical testing. Allele origin: germline.
Comment: NM_014946.4(SPAST):c.1688-3C>G is a splice-region variant predicted to affect normal RNA splicing. This variant has been reported in individuals with SPAST-related disorders (PMID: 19875132). Also, this variant is absent from population databases. Computational prediction algorithms are consistent with a deleterious effect. The currently available literature and clinical evidence are not sufficient to establish a definitive association between this variant and the reported condition. Therefore, this variant is classified as a variant of uncertain significance.

Labcorp Genetics (formerly Invitae), Labcorp
Classification: Uncertain significance for Hereditary spastic paraplegia 4. Last evaluated: 2023-02-14. Review status: criteria provided, single submitter. Criteria: Invitae Variant Classification Sherloc (09022015). Collection method: clinical testing. Allele origin: germline.
Comment: Variants that disrupt the consensus splice site are a relatively common cause of aberrant splicing (PMID: 17576681, 9536098). Algorithms developed to predict the effect of sequence changes on RNA splicing suggest that this variant may disrupt the consensus splice site. In summary, the available evidence is currently insufficient to determine the role of this variant in disease. Therefore, it has been classified as a Variant of Uncertain Significance. This variant has been observed in individual(s) with hereditary spastic paraplegia (PMID: 19875132). This sequence change falls in intron 15 of the SPAST gene. It does not directly change the encoded amino acid sequence of the SPAST protein. It affects a nucleotide within the consensus splice site. This variant is not present in population databases (gnomAD no frequency).

Literature cited by the submitters: PubMed 19875132 (cited by Dasa and Labcorp Genetics (formerly Invitae), Labcorp); PubMed 17576681 (cited by Labcorp Genetics (formerly Invitae), Labcorp); PubMed 9536098 (cited by Labcorp Genetics (formerly Invitae), Labcorp).